The following is an entry in ClinVar:

NM_032119.4(ADGRV1):c.14767del (p.Thr4923fs)

Gene: ADGRV1 (adhesion G protein-coupled receptor V1; plus strand). Cytogenetic location: 5q14.3.
Variant type: Deletion.
Coding change: c.14767del on transcript NM_032119.4 (MANE Select); coding-DNA position 14767, one base deleted (A; older notation c.14767delA).
Protein change: p.Thr4923fs; shifts the reading frame from threonine 4923.
Molecular consequence: frameshift variant. On other transcripts: non-coding transcript variant (1).
Genome position (GRCh38, 1-based): chr5:90,805,389, A deleted. VCF-style (leftmost placement, unchanged base first): chr5-90805388-GA-G. GRCh37 (hg19) VCF-style: chr5-90101205-GA-G.
Other names: c.14767del (NM_032119.3); short protein forms T4923fs.
Identifiers: ClinVar variation 4971391 (VCV004971391.2).
Genomic context (GRCh38, chr5:90,805,388, plus strand): 5'-TGGCACAAGCCACGTTATGATTTCTAGGAGAGGCACATATGGAGCTCTCTCGGTTGCCTG[GA>G]CCACTGGATATGCTCCTGGGTTAGAAATTCCTGAATTCATTGTTGTTGGCAACATGACCC-3'

ClinVar aggregate classification (germline): Likely pathogenic. Review status: criteria provided, multiple submitters, no conflicts (2 of 4 stars). 2 submissions from 2 submitters: Likely pathogenic (2). Last evaluated 2026-03-25.

Conditions:
ADGRV1-related disorder. Also called: ADGRV1-related condition; ADGRV1-related disorders.

Submissions (2):

GeneDx
Classification: Likely pathogenic. Last evaluated: 2026-03-25. Review status: criteria provided, single submitter. Criteria: GeneDx Variant Classification Process June 2021. Collection method: clinical testing. Allele origin: germline.
Comment: Frameshift variant predicted to result in protein truncation or nonsense mediated decay in a gene for which loss of function is a known mechanism of disease; Not observed at significant frequency in large population cohorts (gnomAD); Observed with a pathogenic variant in a patient with retinal degeneration in published literature, but it is not known whether the variants occurred on the same (in cis) or on different (in trans) alleles and additional clinical information was not provided (PMID: 29343940); This variant is associated with the following publications: (PMID: 31964843, 29343940)

Blueprint Genetics
Classification: Likely pathogenic for ADGRV1-related disorders. Last evaluated: 2021-11-30. Review status: criteria provided, single submitter. Criteria: ACMG Guidelines, 2015. Collection method: clinical testing. Allele origin: germline. Affected: yes. Observed: 1 variant allele.